The following is an entry in ClinVar:

NM_001267550.2(TTN):c.98229G>A (p.Gln32743=)

Genes: TTN-AS1 (TTN antisense RNA 1; plus strand), TTN (titin; minus strand). Cytogenetic location: 2q31.2.
Variant type: single nucleotide variant.
Coding change: c.98229G>A on transcript NM_001267550.2 (MANE Select); coding-DNA position 98229, G replaced by A.
Protein change: p.Gln32743=; no amino-acid change (glutamine 32743 retained).
Molecular consequence: synonymous variant. On other transcripts: non-coding transcript variant (1).
Genome position (GRCh38, 1-based): chr2:178,539,836, C>T on the plus strand (G>A on the coding strand, the complement: TTN is on the minus strand). VCF-style: chr2-178539836-C-T. GRCh37 (hg19) VCF-style: chr2-179404563-C-T.
Other names: c.93306G>A, p.Gln31102= (NM_001256850.1); c.71034G>A, p.Gln23678= (NM_003319.4); c.90525G>A, p.Gln30175= (NM_133378.4); c.71409G>A, p.Gln23803= (NM_133432.3); c.71610G>A, p.Gln23870= (NM_133437.4).
Identifiers: ClinVar variation 1586172 (VCV001586172.11), dbSNP rs771985992, ClinGen allele CA1986408.

ClinVar aggregate classification (germline): Likely benign. Review status: criteria provided, multiple submitters, no conflicts (2 of 4 stars). 3 submissions from 3 submitters: Likely benign (2). 1 of the submissions does not count toward it. Last evaluated 2024-10-28.

Conditions:
TTN-related disorder. Also called: TTN-related condition; TTN-related disease; TTN-related disorders.
Cardiovascular phenotype. Identifiers: MedGen CN230736.
Dilated cardiomyopathy 1G (CMD1G). Identifiers: Orphanet 154, MedGen C1858763, MONDO:0011400, OMIM 604145.
Autosomal recessive limb-girdle muscular dystrophy type 2J (LGMDR10). Also called: MUSCULAR DYSTROPHY, LIMB-GIRDLE, AUTOSOMAL RECESSIVE 10; Limb-girdle muscular dystrophy, type 2J. Identifiers: Orphanet 140922, MedGen C1837342, MONDO:0012127, OMIM 608807.

Allele frequency attached by ClinVar (database versions not stated): TOPMed below 0.00001; gnomAD 0.00002; gnomAD exomes 0.00002 and 0.00004; ExAC 0.00007.
gnomAD v4.1: 36 of 1,613,728 alleles (0.0022%); highest among the groups gnomAD compares: South Asian, 0.038%; no homozygotes.

Submissions (3):

Ambry Genetics
Classification: Likely benign for Cardiovascular phenotype. Last evaluated: 2024-10-28. Review status: criteria provided, single submitter. Criteria: Ambry Variant Classification Scheme 2023. Collection method: clinical testing. Allele origin: germline.

Labcorp Genetics (formerly Invitae), Labcorp
Classification: Likely benign for Dilated cardiomyopathy 1G; Autosomal recessive limb-girdle muscular dystrophy type 2J. Last evaluated: 2024-08-05. Review status: criteria provided, single submitter. Criteria: Invitae Variant Classification Sherloc (09022015). Collection method: clinical testing. Allele origin: germline.

PreventionGenetics, part of Exact Sciences
Classification: Likely benign for TTN-related condition. Last evaluated: 2022-07-05. Review status: no assertion criteria provided. Collection method: clinical testing. Allele origin: germline. Not counted in ClinVar's aggregate classification.
Comment: This variant is classified as likely benign based on ACMG/AMP sequence variant interpretation guidelines (Richards et al. 2015 PMID: 25741868, with internal and published modifications).